The following is an entry in ClinVar:

ClinVar aggregate classification (germline): Uncertain significance (1 of 4 stars; one submission).

Conditions:
Inborn genetic diseases. Identifiers: MedGen C0950123, MeSH D030342.

Submission:

Ambry Genetics
Classification: Uncertain significance for Inborn genetic diseases. Last evaluated: 2025-10-22. Review status: criteria provided, single submitter. Criteria: Ambry Variant Classification Scheme 2023. Collection method: clinical testing. Allele origin: germline.
Comment: The p.E1136K variant (also known as c.3406G>A), located in coding exon 20 of the RECQL4 gene, results from a G to A substitution at nucleotide position 3406. The glutamic acid at codon 1136 is replaced by lysine, an amino acid with similar properties. This amino acid position is conserved. In addition, this alteration is predicted to be deleterious by in silico analysis. Based on the available evidence, the clinical significance of this variant remains unclear.

NM_004260.4(RECQL4):c.3406G>A (p.Glu1136Lys)

Gene: RECQL4 (RecQ like helicase 4; minus strand). Cytogenetic location: 8q24.3.
Variant type: single nucleotide variant.
Coding change: c.3406G>A on transcript NM_004260.4 (MANE Select); coding-DNA position 3406, G replaced by A.
Protein change: p.Glu1136Lys; replaces glutamic acid 1136 with lysine.
Molecular consequence: missense variant. On other transcripts: non-coding transcript variant (3).
Genome position (GRCh38, 1-based): chr8:144,511,777, C>T on the plus strand (G>A on the coding strand, the complement: RECQL4 is on the minus strand). VCF-style: chr8-144511777-C-T. GRCh37 (hg19) VCF-style: chr8-145737160-C-T.
Other names: c.2410G>A, p.Glu804Lys (NM_001413023.1); c.2335G>A, p.Glu779Lys (NM_001413024.1, NM_001413028.1, NM_001413021.1 and 4 more transcripts); c.3277G>A, p.Glu1093Lys (NM_001413025.1); c.2269G>A, p.Glu757Lys (NM_001413027.1, NM_001413030.1, NM_001413032.1); c.3055G>A, p.Glu1019Lys (NM_001413029.1); c.2137G>A, p.Glu713Lys (NM_001413031.1, NM_001413038.1); c.3274G>A, p.Glu1092Lys (NM_001413033.1); c.3112G>A, p.Glu1038Lys (NM_001413017.1); and 9 more; short protein forms E1070K, E1126K, E1136K, E1139K, E735K, E779K, E1019K, E1104K.
Identifiers: ClinVar variation 4628957 (VCV004628957.1).